The following is an entry in ClinVar:

ClinVar aggregate classification (germline): Uncertain significance (1 of 4 stars; one submission).

Conditions:
Thrombocytopenia. Identifiers: MedGen C0040034, MeSH D013921, MONDO:0002049, HP:0001873.

Submission:

ISTH-SSC Genomics in Thrombosis and Hemostasis, KU Leuven, Center for Molecular and Vascular Biology
Classification: Uncertain significance for Thrombocytopenia. Review status: criteria provided, single submitter. Criteria: ACMG Guidelines, 2015. Collection method: clinical testing. Allele origin: germline. Affected: yes. Observed: 1 heterozygote.
Comment: Submitted to the GoldVariant database by Kathleen Freson, Center for Molecular and Vascular Biology

NM_000552.5(VWF):c.4067C>T (p.Ser1356Phe)

Gene: VWF (von Willebrand factor; minus strand). Cytogenetic location: 12p13.31.
Variant type: single nucleotide variant.
Coding change: c.4067C>T on transcript NM_000552.5 (MANE Select); coding-DNA position 4067, C replaced by T.
Protein change: p.Ser1356Phe; replaces serine 1356 with phenylalanine.
Molecular consequence: missense variant.
Genome position (GRCh38, 1-based): chr12:6,019,351, G>A on the plus strand (C>T on the coding strand, the complement: VWF is on the minus strand). VCF-style: chr12-6019351-G-A. GRCh37 (hg19) VCF-style: chr12-6128517-G-A.
Other names: short protein forms S1356F.
Identifiers: ClinVar variation 2572163 (VCV002572163.1), dbSNP rs2497516686, ClinGen allele CA383505478.